The following is an entry in ClinVar:

NM_001009944.3(PKD1):c.10289_10305dup (p.Gln3436fs)

Gene: PKD1 (polycystin 1, transient receptor potential channel interacting; minus strand). Cytogenetic location: 16p13.3.
Variant type: Duplication.
Coding change: c.10289_10305dup on transcript NM_001009944.3 (MANE Select); coding-DNA positions 10289 to 10305, 17 bases duplicated (TGGGTAGCAATCTGCGG).
Protein change: p.Gln3436fs; shifts the reading frame from glutamine 3436.
Molecular consequence: frameshift variant.
Genome position (GRCh38, 1-based): chr16:2,097,419-2,097,435, CCGCAGATTGCTACCCA duplicated on the plus strand (TGGGTAGCAATCTGCGG on the coding strand, the reverse complement: PKD1 is on the minus strand); duplicating any 17 consecutive bases within chr16:2,097,419-2,097,436 gives the same sequence; the c. name uses the placement nearest the transcript's 3' end. VCF-style (leftmost placement, unchanged base first): chr16-2097418-G-GCCGCAGATTGCTACCCA. GRCh37 (hg19) VCF-style: chr16-2147419-G-GCCGCAGATTGCTACCCA.
Other names: c.10286_10302dup, p.Gln3435fs (NM_000296.4); short protein forms Q3435fs, Q3436fs.
Identifiers: ClinVar variation 3066292 (VCV003066292.1), dbSNP rs2544688348, ClinGen allele CA2740098066.

ClinVar aggregate classification (germline): Pathogenic (1 of 4 stars; one submission).

Conditions:
Polycystic kidney disease, adult type (PKD1). Also called: Polycystic Kidney, Autosomal Dominant; POLYCYSTIC KIDNEY DISEASE 1 WITH OR WITHOUT POLYCYSTIC LIVER DISEASE; Polycystic Kidney Disease 1, Autosomal Dominant; Polycystic kidney disease 1; Polycystic kidney disease 1, severe; POLYCYSTIC KIDNEY DISEASE, ADULT, TYPE I. Identifiers: MedGen C3149841, MONDO:0008263, OMIM 173900.

Submission:

MVZ Medizinische Genetik Mainz
Classification: Pathogenic for Polycystic kidney disease, adult type. Last evaluated: 2023-05-09. Review status: criteria provided, single submitter. Criteria: UK Practice Guidelines For Variant Classification V4 01 2020. Collection method: clinical testing. Allele origin: germline. Inheritance: Autosomal dominant inheritance. Affected: yes. Observed: 1 variant allele.
Comment: ACMG Criteria: PVS1,PM2_SUP,PP4